The following is an entry in ClinVar:

NM_001385012.1(NBEA):c.2645A>C (p.Asn882Thr)

Gene: NBEA (neurobeachin; plus strand). Cytogenetic location: 13q13.3.
Variant type: single nucleotide variant.
Coding change: c.2645A>C on transcript NM_001385012.1 (MANE Select); coding-DNA position 2645, A replaced by C.
Protein change: p.Asn882Thr; replaces asparagine 882 with threonine.
Molecular consequence: missense variant.
Genome position (GRCh38, 1-based): chr13:35,156,200, A>C. VCF-style: chr13-35156200-A-C. GRCh37 (hg19) VCF-style: chr13-35730337-A-C.
Other names: c.2645A>C, p.Asn882Thr (NM_001379245.1, NM_015678.5); short protein forms N882T.
Identifiers: ClinVar variation 4856889 (VCV004856889.2).

ClinVar aggregate classification (germline): Uncertain significance (1 of 4 stars; one submission).

gnomAD v4.1: 2 of 1,579,856 alleles (0.00013%); highest among the groups gnomAD compares: Admixed American, 0.0019%; no homozygotes.

Submission:

Dasa
Classification: Uncertain significance. Last evaluated: 2024-10-03. Review status: criteria provided, single submitter. Criteria: DASA Assertion Criteria. Collection method: clinical testing. Allele origin: germline.
Comment: NM_001385012.1(NBEA):c.2645A>C (p.Asn882Thr) is a missense variant that results in the substitution of asparagine with threonine. This variant is rare in population databases. The currently available literature and clinical evidence are not sufficient to establish a definitive association between this variant and the reported condition. Therefore, this variant is classified as a variant of uncertain significance.